The following is an entry in ClinVar:

NM_001253852.3(AP4B1):c.405_409del (p.Tyr135_Arg137delinsTer)

Gene: AP4B1 (adaptor related protein complex 4 subunit beta 1; minus strand). Cytogenetic location: 1p13.2.
Variant type: Deletion.
Coding change: c.405_409del on transcript NM_001253852.3 (MANE Select); coding-DNA positions 405 to 409, 5 bases deleted (TGTCA; older notation c.405_409delTGTCA).
Protein change: p.Tyr135_Arg137delinsTer.
Molecular consequence: nonsense. On other transcripts: intron variant (1).
Genome position (GRCh38, 1-based): chr1:113,901,815-113,901,819, TGACA deleted on the plus strand (TGTCA on the coding strand, the reverse complement: AP4B1 is on the minus strand); deleting any 5 consecutive bases within chr1:113,901,815-113,901,820 gives the same sequence; the c. name uses the placement nearest the transcript's 3' end. VCF-style (leftmost placement, unchanged base first): chr1-113901814-CTGACA-C. GRCh37 (hg19) VCF-style: chr1-114444436-CTGACA-C.
Other names: c.108_112del, p.Tyr36_Arg38delinsTer (NM_001253853.3); c.405_409del, p.Tyr135_Arg137delinsTer (NM_006594.5); c.114-1419_114-1415del (NM_001308312.2).
Identifiers: ClinVar variation 520648 (VCV000520648.8), dbSNP rs1553259463, ClinGen allele CA658795506.

ClinVar aggregate classification (germline): Pathogenic. Review status: criteria provided, multiple submitters, no conflicts (2 of 4 stars). 3 submissions from 3 submitters: Pathogenic (2). 1 of the submissions does not count toward it. Last evaluated 2023-02-16.

Conditions:
Inborn genetic diseases. Identifiers: MedGen C0950123, MeSH D030342.
Spastic paraplegia. Identifiers: MedGen C0037772, HP:0001258.
Hereditary spastic paraplegia 47. Also called: adaptor protein 4 (AP-4) deficiency syndrome; Spastic paraplegia 47, autosomal recessive; CEREBRAL PALSY, SPASTIC QUADRIPLEGIC, 5. Identifiers: Orphanet 280763, MedGen C3279738, MONDO:0013551, OMIM 614066.

Submissions (3):

Labcorp Genetics (formerly Invitae), Labcorp
Classification: Pathogenic for Hereditary spastic paraplegia 47. Last evaluated: 2023-02-16. Review status: criteria provided, single submitter. Criteria: Invitae Variant Classification Sherloc (09022015). Collection method: clinical testing. Allele origin: germline.
Comment: ClinVar contains an entry for this variant (Variation ID: 520648). This premature translational stop signal has been observed in individual(s) with clinical features of hereditary spastic paraplegia (PMID: 26795593, 32979048). This variant is not present in population databases (gnomAD no frequency). This sequence change creates a premature translational stop signal (p.Tyr135*) in the AP4B1 gene. It is expected to result in an absent or disrupted protein product. Loss-of-function variants in AP4B1 are known to be pathogenic (PMID: 22290197, 24700674, 24781758). For these reasons, this variant has been classified as Pathogenic.

Ambry Genetics
Classification: Pathogenic for Inborn genetic diseases. Last evaluated: 2015-03-02. Review status: criteria provided, single submitter. Criteria: Ambry exome assertion method (8-5-2015). Collection method: clinical testing. Allele origin: germline. Affected: yes. Observed: 1 variant allele.

Yale Center for Mendelian Genomics, Yale University
Classification: Likely pathogenic for Spastic paraplegia. Last evaluated: 2020-10-01. Review status: no assertion criteria provided. Collection method: literature only. Allele origin: germline. Affected: yes. Observed: 1 homozygote. Study: Yale Center for Mendelian Genomics. Not counted in ClinVar's aggregate classification.

Literature cited by the submitters: PubMed 26795593 (cited by Labcorp Genetics (formerly Invitae), Labcorp); PubMed 32979048 (cited by Labcorp Genetics (formerly Invitae), Labcorp and Yale Center for Mendelian Genomics, Yale University); PubMed 22290197 (cited by Labcorp Genetics (formerly Invitae), Labcorp); PubMed 24700674 (cited by Labcorp Genetics (formerly Invitae), Labcorp); PubMed 24781758 (cited by Labcorp Genetics (formerly Invitae), Labcorp).